The following is an entry in ClinVar:

ClinVar aggregate classification (germline): Conflicting classifications of pathogenicity. Review status: criteria provided, conflicting classifications (1 of 4 stars). 3 submissions from 3 submitters: Uncertain significance (2); Benign (1). Last evaluated 2025-07-13.

Conditions:
Hereditary nonpolyposis colorectal neoplasms. Identifiers: MedGen C0009405, MeSH D003123.
Hereditary cancer-predisposing syndrome. Also called: Neoplastic Syndromes, Hereditary; Tumor predisposition; Hereditary Cancer Syndrome; Hereditary neoplastic syndrome. Identifiers: Orphanet 140162, MedGen C0027672, MeSH D009386, MONDO:0015356.
Lynch syndrome 5 (LYNCH5). Also called: Colorectal cancer, hereditary nonpolyposis, type 5; Hereditary non-polyposis colorectal cancer, type 5. Identifiers: Orphanet 144, MedGen C1833477, MONDO:0013710, OMIM 614350. Disease mechanism: loss of function.

Submissions (3):

Labcorp Genetics (formerly Invitae), Labcorp
Classification: Uncertain significance for Hereditary nonpolyposis colorectal neoplasms. Last evaluated: 2025-07-13. Review status: criteria provided, single submitter. Criteria: Invitae Variant Classification Sherloc (09022015). Collection method: clinical testing. Allele origin: germline.
Comment: This variant occurs in a non-coding region of the MSH6 gene. It does not change the encoded amino acid sequence of the MSH6 protein. This variant is not present in population databases (gnomAD no frequency). This variant has not been reported in the literature in individuals affected with MSH6-related conditions. ClinVar contains an entry for this variant (Variation ID: 1737552). Experimental studies and prediction algorithms are not available or were not evaluated, and the functional significance of this variant is currently unknown. In summary, the available evidence is currently insufficient to determine the role of this variant in disease. Therefore, it has been classified as a Variant of Uncertain Significance.

Ambry Genetics
Classification: Uncertain significance for Hereditary cancer-predisposing syndrome. Last evaluated: 2025-06-11. Review status: criteria provided, single submitter. Criteria: Ambry Variant Classification Scheme 2023. Collection method: clinical testing. Allele origin: germline.
Comment: The c.4071_*1dup14 variant is located in the 3' untranslated region (3'UTR) of the MSH6 gene. This variant results from the duplication of TAAGGAAATTATAGA at nucleotide position 4071 to 1 nucleotide after the termination codon. This alteration occurs within the non-coding region of the gene and may not interfere with gene function. Since supporting evidence is limited at this time, the clinical significance of this alteration remains unclear.

Myriad Genetics, Inc.
Classification: Benign for Lynch syndrome 5. Last evaluated: 2025-01-09. Review status: criteria provided, single submitter. Criteria: Myriad Autosomal Dominant, Autosomal Recessive and X-Linked Classification Criteria (2023). Collection method: clinical testing. Allele origin: unknown.
Comment: This variant is considered benign. This variant occurs in the non-coding 3' untranslated region of the gene, and is not expected to impact protein function.

NM_000179.3(MSH6):c.4071_*1dup (p.Ile1357_Ter(1361_?)(?))

Gene: MSH6 (mutS homolog 6; plus strand). Cytogenetic location: 2p16.3.
Variant type: Duplication.
Molecular consequence: frameshift variant, no sequence alteration (on NM_000179.3).
Genome position: GRCh38 VCF-style: chr2-47806847-T-TTAAGGAATTATAGA. GRCh37 (hg19) VCF-style: chr2-48033986-T-TTAAGGAATTATAGA.
Other names: c.4071_*1dup, p.Ile1357_Ter(1361_?)(?) (NM_000179.3, NM_001406796.1, NM_001406809.1); c.3681_*1dup, p.Ile1227_Ter(1231_?)(?) (NM_001281492.2); c.3165_*1dup, p.Ile1055_Ter(1059_?)(?) (NM_001281493.2, NM_001281494.2, NM_001406811.1 and 6 more transcripts); c.4167_*1dup, p.Ile1389_Ter(1393_?)(?) (NM_001406795.1); c.3774_*1dup, p.Ile1258_Ter(1262_?)(?) (NM_001406797.1, NM_001406805.1, NM_001406818.1 and 8 more transcripts); c.3897_*1dup, p.Ile1299_Ter(1303_?)(?) (NM_001406798.1); c.3546_*1dup, p.Ile1182_Ter(1186_?)(?) (NM_001406799.1, NM_001406806.1, NM_001406807.1); c.*92_*105dup (NM_001406800.1); and 10 more.
Identifiers: ClinVar variation 1737552 (VCV001737552.5), dbSNP rs2530899972, ClinGen allele CA2580067607.